The following is an entry in ClinVar:

ClinVar aggregate classification (germline): Uncertain significance (1 of 4 stars; one submission).

Conditions:
Multiple endocrine neoplasia, type 2 (MEN2). Identifiers: Orphanet 653, MedGen C4048306, MONDO:0019003. Disease mechanism: gain of function.

gnomAD v4.1: 3 of 1,613,870 alleles (0.00019%); highest among the groups gnomAD compares: Non-Finnish European, 0.00025%; no homozygotes.

Submission:

Labcorp Genetics (formerly Invitae), Labcorp
Classification: Uncertain significance for Multiple endocrine neoplasia, type 2. Last evaluated: 2025-12-09. Review status: criteria provided, single submitter. Criteria: Invitae Variant Classification Sherloc (09022015). Collection method: clinical testing. Allele origin: germline.
Comment: This sequence change replaces histidine, which is basic and polar, with leucine, which is neutral and non-polar, at codon 926 of the RET protein (p.His926Leu). This variant is not present in population databases (gnomAD no frequency). This variant has not been reported in the literature in individuals affected with RET-related conditions. An algorithm developed to predict the effect of missense changes on protein structure and function (PolyPhen-2) suggests that this variant is likely to be disruptive. In summary, the available evidence is currently insufficient to determine the role of this variant in disease. Therefore, it has been classified as a Variant of Uncertain Significance.

NM_020975.6(RET):c.2777A>T (p.His926Leu)

Gene: RET (ret proto-oncogene; plus strand). Cytogenetic location: 10q11.21.
Variant type: single nucleotide variant.
Coding change: c.2777A>T on transcript NM_020975.6 (MANE Select); coding-DNA position 2777, A replaced by T.
Protein change: p.His926Leu; replaces histidine 926 with leucine.
Molecular consequence: missense variant.
Genome position (GRCh38, 1-based): chr10:43,121,992, A>T. VCF-style: chr10-43121992-A-T. GRCh37 (hg19) VCF-style: chr10-43617440-A-T.
Other names: c.2015A>T, p.His672Leu (NM_001355216.2); c.2777A>T, p.His926Leu (NM_001406743.1, NM_001406744.1, NM_001406759.1 and 2 more transcripts); c.2648A>T, p.His883Leu (NM_001406761.1, NM_001406762.1, NM_001406764.1); c.2642A>T, p.His881Leu (NM_001406763.1, NM_001406765.1); c.2489A>T, p.His830Leu (NM_001406766.1, NM_001406767.1, NM_001406770.1); c.2513A>T, p.His838Leu (NM_001406768.1); c.2381A>T, p.His794Leu (NM_001406769.1, NM_001406772.1); c.2339A>T, p.His780Leu (NM_001406771.1, NM_001406773.1); and 10 more; short protein forms H443L, H491L, H531L, H582L, H584L, H587L, H596L, H627L.
Identifiers: ClinVar variation 4799628 (VCV004799628.1).